The following is an entry in ClinVar:

ClinVar aggregate classification (germline): Uncertain significance (1 of 4 stars; one submission).

Conditions:
Familial hemophagocytic lymphohistiocytosis 2 (FHL2). Also called: PRF1-Related Familial Hemophagocytic Lymphohistiocytosis (PRF1-fHLH). Identifiers: Orphanet 540, MedGen C1863727, MONDO:0011337, OMIM 603553.

Allele frequency attached by ClinVar (database versions not stated): ExAC 0.00002; gnomAD 0.00007; TOPMed 0.00007; ESP Exome Variant Server 0.00015; 1000 Genomes Project 0.00040; 1000 Genomes Project 30x 0.00047.
gnomAD v4.1: 29 of 1,614,196 alleles (0.0018%); highest among the groups gnomAD compares: African/African-American, 0.033%; no homozygotes.

Submission:

Labcorp Genetics (formerly Invitae), Labcorp
Classification: Uncertain significance for Familial hemophagocytic lymphohistiocytosis 2. Last evaluated: 2022-09-07. Review status: criteria provided, single submitter. Criteria: Invitae Variant Classification Sherloc (09022015). Collection method: clinical testing. Allele origin: germline.
Comment: This sequence change replaces leucine, which is neutral and non-polar, with phenylalanine, which is neutral and non-polar, at codon 471 of the PRF1 protein (p.Leu471Phe). This variant is present in population databases (rs143040535, gnomAD 0.03%). This variant has not been reported in the literature in individuals affected with PRF1-related conditions. Algorithms developed to predict the effect of missense changes on protein structure and function (SIFT, PolyPhen-2, Align-GVGD) all suggest that this variant is likely to be tolerated. In summary, the available evidence is currently insufficient to determine the role of this variant in disease. Therefore, it has been classified as a Variant of Uncertain Significance.

NM_001083116.3(PRF1):c.1411C>T (p.Leu471Phe)

Gene: PRF1 (perforin 1; minus strand). Cytogenetic location: 10q22.1.
Variant type: single nucleotide variant.
Coding change: c.1411C>T on transcript NM_001083116.3 (MANE Select); coding-DNA position 1411, C replaced by T.
Protein change: p.Leu471Phe; replaces leucine 471 with phenylalanine.
Molecular consequence: missense variant.
Genome position (GRCh38, 1-based): chr10:70,598,310, G>A on the plus strand (C>T on the coding strand, the complement: PRF1 is on the minus strand). VCF-style: chr10-70598310-G-A. GRCh37 (hg19) VCF-style: chr10-72358066-G-A.
Other names: c.1411C>T, p.Leu471Phe (NM_005041.6); short protein forms L471F.
Identifiers: ClinVar variation 2198396 (VCV002198396.1), dbSNP rs143040535, ClinGen allele CA5538751.